The following is an entry in ClinVar:

ClinVar aggregate classification (germline): Benign/Likely benign. Review status: criteria provided, multiple submitters, no conflicts (2 of 4 stars). 18 submissions from 17 submitters: Benign (9); Likely benign (3). 6 of the submissions do not count toward it. Last evaluated 2026-01-27.

Conditions:
Mitochondrial complex I deficiency, nuclear type 12. Also called: Mitochondrial complex 1 deficiency, nuclear type 12. Identifiers: MedGen C4746984, MONDO:0026720, OMIM 301020.
NDUFA1-related disorder. Also called: NDUFA1-related condition.
Mitochondrial complex I deficiency. Also called: NADH:Q(1) OXIDOREDUCTASE DEFICIENCY. Identifiers: Orphanet 2609, MedGen C1838979, MeSH C537475, MONDO:0100133.
Inborn genetic diseases. Identifiers: MedGen C0950123, MeSH D030342.
Neurofibromatosis, type 1 (NF1). Also called: VON RECKLINGHAUSEN DISEASE; Peripheral type neurofibromatosis; NEUROFIBROMATOSIS, TYPE I, SOMATIC; Neurofibromatosis, type I. Identifiers: Orphanet 636, MedGen C0027831, MONDO:0018975, OMIM 162200. Disease mechanism: loss of function.
Intellectual disability. Also called: intellectual disabilities; Intellectual functioning disability; Intellectual developmental disorder. Identifiers: HP:0002543, MedGen C3714756, MeSH D008607, MONDO:0001071.

Allele frequency attached by ClinVar (database versions not stated): 1000 Genomes Project 0.00079; 1000 Genomes Project 30x 0.00083; TOPMed 0.00628; ESP Exome Variant Server 0.00672; gnomAD 0.00694.

Submissions (18):

Labcorp Genetics (formerly Invitae), Labcorp
Classification: Benign. Last evaluated: 2026-01-27. Review status: criteria provided, single submitter. Criteria: Invitae Variant Classification Sherloc (09022015). Collection method: clinical testing. Allele origin: germline.

ARUP Laboratories, Molecular Genetics and Genomics, ARUP Laboratories
Classification: Benign for Mitochondrial complex I deficiency, nuclear type 12. Last evaluated: 2022-10-21. Review status: criteria provided, single submitter. Criteria: ARUP Molecular Germline Variant Investigation Process 2021. Collection method: clinical testing. Allele origin: germline.

Fulgent Genetics
Classification: Likely benign for Mitochondrial complex I deficiency, nuclear type 12. Last evaluated: 2021-07-26. Review status: criteria provided, single submitter. Criteria: ACMG Guidelines, 2015. Collection method: clinical testing. Allele origin: unknown.

Cambridge Genomics Laboratory, East Genomic Laboratory Hub, NHS Genomic Medicine Service
Classification: Benign for Neurofibromatosis, type 1. Last evaluated: 2020-04-29. Review status: criteria provided, single submitter. Criteria: ACGS Best Practice Guidelines for Variant Classification in Rare Disease 2020. Collection method: clinical testing. Allele origin: germline. Affected: yes. Observed: 1 variant allele.

Athena Diagnostics
Classification: Benign. Last evaluated: 2019-10-02. Review status: criteria provided, single submitter. Criteria: Athena Diagnostics Criteria. Collection method: clinical testing. Allele origin: unknown.

Cambridge Genomics Laboratory, East Genomic Laboratory Hub, NHS Genomic Medicine Service
Classification: Benign for Intellectual disability. Last evaluated: 2019-09-24. Review status: criteria provided, single submitter. Criteria: ACGS Best Practice Guidelines for Variant Classification in Rare Disease 2020. Collection method: clinical testing. Allele origin: germline. Affected: yes. Observed: 1 variant allele.

Mendelics
Classification: Likely benign for Mitochondrial complex I deficiency, nuclear type 12. Last evaluated: 2019-05-28. Review status: criteria provided, single submitter. Criteria: Mendelics Assertion Criteria 2017. Collection method: clinical testing. Allele origin: unknown.

Center for Pediatric Genomic Medicine, Children's Mercy Hospital and Clinics
Classification: Benign. Last evaluated: 2017-01-05. Review status: criteria provided, single submitter. Criteria: ACMG Guidelines, 2015. Collection method: clinical testing. Allele origin: germline.

Eurofins Ntd Llc (ga)
Classification: Benign. Last evaluated: 2015-02-25. Review status: criteria provided, single submitter. Criteria: EGL Classification Definitions 2015. Collection method: clinical testing. Allele origin: germline. Observed: 4 variant alleles, 1 heterozygote, 3 hemizygotes.

Ambry Genetics
Classification: Benign for Inborn genetic diseases. Last evaluated: 2014-10-28. Review status: criteria provided, single submitter. Criteria: Ambry Variant Classification Scheme 2023. Collection method: clinical testing. Allele origin: germline.

GeneDx
Classification: Benign. Last evaluated: 2013-08-05. Review status: criteria provided, single submitter. Criteria: GeneDx Variant Classification (06012015). Collection method: clinical testing. Allele origin: germline. Affected: yes.
Comment: This variant is considered likely benign or benign based on one or more of the following criteria: it is a conservative change, it occurs at a poorly conserved position in the protein, it is predicted to be benign by multiple in silico algorithms, and/or has population frequency not consistent with disease.

Breakthrough Genomics
Classification: Likely benign. Review status: criteria provided, single submitter. Criteria: ACMG Guidelines, 2015. Collection method: not provided. Allele origin: germline. Inheritance: X-linked inheritance. Affected: yes.

PreventionGenetics, part of Exact Sciences
Classification: Benign for NDUFA1-related condition. Last evaluated: 2019-10-18. Review status: no assertion criteria provided. Collection method: clinical testing. Allele origin: germline. Not counted in ClinVar's aggregate classification.
Comment: This variant is classified as benign based on ACMG/AMP sequence variant interpretation guidelines (Richards et al. 2015 PMID: 25741868, with internal and published modifications).

Mayo Clinic Laboratories, Mayo Clinic
Classification: Uncertain significance. Last evaluated: 2016-02-24. Review status: no assertion criteria provided. Collection method: clinical testing. Allele origin: unknown. Not counted in ClinVar's aggregate classification.

OMIM
Classification: Uncertain significance for RECLASSIFIED - VARIANT OF UNKNOWN SIGNIFICANCE. Last evaluated: 2011-08-01. Review status: no assertion criteria provided. Collection method: literature only. Allele origin: unknown. Not counted in ClinVar's aggregate classification.

Diagnostic Laboratory, Department of Genetics, University Medical Center Groningen
Classification: Likely benign. Review status: no assertion criteria provided. Collection method: clinical testing. Allele origin: germline. Affected: yes. Study: VKGL Data-share Consensus. Not counted in ClinVar's aggregate classification.

Genome Diagnostics Laboratory, University Medical Center Utrecht
Classification: Likely benign. Review status: no assertion criteria provided. Collection method: clinical testing. Allele origin: germline. Affected: yes. Study: VKGL Data-share Consensus. Not counted in ClinVar's aggregate classification.

Laboratory of Diagnostic Genome Analysis, Leiden University Medical Center (LUMC)
Classification: Benign. Review status: no assertion criteria provided. Collection method: clinical testing. Allele origin: germline. Affected: yes. Study: VKGL Data-share Consensus. Not counted in ClinVar's aggregate classification.

Literature cited by the submitters: PubMed 19185523 (cited by Athena Diagnostics and OMIM); PubMed 29353736 (cited by Athena Diagnostics); PubMed 23871722 (cited by Athena Diagnostics); PubMed 28794991 (cited by Athena Diagnostics); PubMed 31288420 (cited by Athena Diagnostics); PubMed 21596602 (cited by Athena Diagnostics and OMIM); Hamosh, A. Personal Communication. 2017. Baltimore, Md. (cited by OMIM).

NM_004541.4(NDUFA1):c.94G>C (p.Gly32Arg)

Genes: NDUFA1 (NADH:ubiquinone oxidoreductase subunit A1; plus strand), LOC130068621 (ATAC-STARR-seq lymphoblastoid active region 29902; plus strand). Cytogenetic location: Xq24.
Variant type: single nucleotide variant.
Coding change: c.94G>C on transcript NM_004541.4 (MANE Select); coding-DNA position 94, G replaced by C.
Protein change: p.Gly32Arg; replaces glycine 32 with arginine.
Molecular consequence: missense variant.
Genome position (GRCh38, 1-based): chrX:119,872,005, G>C. VCF-style: chrX-119872005-G-C. GRCh37 (hg19) VCF-style: chrX-119005968-G-C.
Other names: p.G32R:GGG>CGG; short protein forms G32R.
Identifiers: ClinVar variation 36974 (VCV000036974.43), dbSNP rs1801316, ClinGen allele CA090926.